The following is an entry in ClinVar:

NM_003619.4(PRSS12):c.1270G>A (p.Val424Ile)

Gene: PRSS12 (serine protease 12; minus strand). Cytogenetic location: 4q26.
Variant type: single nucleotide variant.
Coding change: c.1270G>A on transcript NM_003619.4 (MANE Select); coding-DNA position 1270, G replaced by A.
Protein change: p.Val424Ile; replaces valine 424 with isoleucine.
Molecular consequence: missense variant.
Genome position (GRCh38, 1-based): chr4:118,316,204, C>T on the plus strand (G>A on the coding strand, the complement: PRSS12 is on the minus strand). VCF-style: chr4-118316204-C-T. GRCh37 (hg19) VCF-style: chr4-119237359-C-T.
Other names: short protein forms V424I.
Identifiers: ClinVar variation 235222 (VCV000235222.7), dbSNP rs77322543, ClinGen allele CA3055688.

ClinVar aggregate classification (germline): Benign/Likely benign. Review status: criteria provided, multiple submitters, no conflicts (2 of 4 stars). 2 submissions from 2 submitters: Benign (1); Likely benign (1). Last evaluated 2019-12-31.

Allele frequency attached by ClinVar (database versions not stated): ESP Exome Variant Server 0.00561; gnomAD 0.00577 and 0.00532; TOPMed 0.00585; 1000 Genomes Project 30x 0.00593; gnomAD exomes 0.00047 and 0.00133; ExAC 0.00173; 1000 Genomes Project 0.00519.
gnomAD v4.1: 1,510 of 1,613,994 alleles (0.094%); highest among the groups gnomAD compares: African/African-American, 1.8%; 16 homozygotes.

Submissions (2):

Labcorp Genetics (formerly Invitae), Labcorp
Classification: Benign. Last evaluated: 2019-12-31. Review status: criteria provided, single submitter. Criteria: Invitae Variant Classification Sherloc (09022015). Collection method: clinical testing. Allele origin: germline.

Center for Pediatric Genomic Medicine, Children's Mercy Hospital and Clinics
Classification: Likely benign. Last evaluated: 2015-09-29. Review status: criteria provided, single submitter. Criteria: ACMG Guidelines, 2015. Collection method: clinical testing. Allele origin: germline.
ClinVar note: Converted during submission from Likely Benign to Likely benign.